The following is an entry in ClinVar:

NM_001172560.3(SSTR5):c.711C>T (p.Cys237=)

Gene: SSTR5 (somatostatin receptor 5; plus strand). Cytogenetic location: 16p13.3.
Variant type: single nucleotide variant.
Coding change: c.711C>T on transcript NM_001172560.3 (MANE Select); coding-DNA position 711, C replaced by T.
Protein change: p.Cys237=; no amino-acid change (cysteine 237 retained).
Molecular consequence: synonymous variant.
Genome position (GRCh38, 1-based): chr16:1,079,579, C>T. VCF-style: chr16-1079579-C-T. GRCh37 (hg19) VCF-style: chr16-1129579-C-T.
Other names: c.711C>T, p.Cys237= (NM_001053.4).
Identifiers: ClinVar variation 3058147 (VCV003058147.2), dbSNP rs147160220, ClinGen allele CA7798804.

ClinVar aggregate classification (germline): Likely benign (0 of 4 stars; one submission).

Conditions:
SSTR5-related disorder. Also called: SSTR5-related condition.

Allele frequency attached by ClinVar (database versions not stated): ExAC 0.00002; ESP Exome Variant Server 0.00015; 1000 Genomes Project 30x 0.00016; 1000 Genomes Project 0.00020.
gnomAD v4.1: 32 of 1,611,030 alleles (0.002%); highest among the groups gnomAD compares: African/African-American, 0.02%; no homozygotes.

Submission:

PreventionGenetics, part of Exact Sciences
Classification: Likely benign for SSTR5-related condition. Last evaluated: 2023-05-22. Review status: no assertion criteria provided. Collection method: clinical testing. Allele origin: germline.
Comment: This variant is classified as likely benign based on ACMG/AMP sequence variant interpretation guidelines (Richards et al. 2015 PMID: 25741868, with internal and published modifications).